The following is an entry in ClinVar:

NM_001079668.3(NKX2-1):c.712T>G (p.Trp238Gly)

Genes: NKX2-1 (NK2 homeobox 1; minus strand), SFTA3 (surfactant associated 3; minus strand). Cytogenetic location: 14q13.3.
Variant type: single nucleotide variant.
Coding change: c.712T>G on transcript NM_001079668.3 (MANE Select); coding-DNA position 712, T replaced by G.
Protein change: p.Trp238Gly; replaces tryptophan 238 with glycine.
Molecular consequence: missense variant.
Genome position (GRCh38, 1-based): chr14:36,517,772, A>C on the plus strand (T>G on the coding strand, the complement: NKX2-1 is on the minus strand). VCF-style: chr14-36517772-A-C. GRCh37 (hg19) VCF-style: chr14-36986977-A-C.
Other names: c.622T>G, p.Trp208Gly (NM_003317.4); short protein forms W208G, W238G.
Identifiers: ClinVar variation 4849974 (VCV004849974.1).

ClinVar aggregate classification (germline): Likely pathogenic (1 of 4 stars; one submission).

Conditions:
Autosomal dominant NKX2-1-related disorders.

Submission:

Variantyx, Inc.
Classification: Likely pathogenic for Autosomal dominant NKX2-1-related disorders. Last evaluated: 2026-01-13. Review status: criteria provided, single submitter. Criteria: Variantyx Assertion Criteria 2022. Collection method: clinical testing. Allele origin: de novo. Inheritance: Autosomal dominant inheritance. Affected: yes.
Comment: This is a nonsynonymous variant in the NKX2-1 gene (OMIM: 600635). Pathogenic variants in this gene have been associated with autosomal dominant NKX2-1-related disorders. An alternate amino acid change at this position (p.Trp238Leu) has been previously reported in similarly affected individuals, which suggests that this residue is biologically important (PMID: 11971878) (PM5), and multiple computational algorithms predict a deleterious effect for this variant (REVEL score: 0.967) (PP3). This variant is absent from control populations (PM2) and it has not been reported in individuals with NKX2-1-related disorders in the databases available for review. Based on the current evidence, this variant is classified as likely pathogenic for autosomal dominant NKX2-1-related disorders.

Literature cited by the submitters: PubMed 11971878.